The following is an entry in ClinVar:

NM_194277.3(FRMD7):c.1146T>A (p.Asn382Lys)

Gene: FRMD7 (FERM domain containing 7; minus strand). Cytogenetic location: Xq26.2.
Variant type: single nucleotide variant.
Coding change: c.1146T>A on transcript NM_194277.3 (MANE Select); coding-DNA position 1146, T replaced by A.
Protein change: p.Asn382Lys; replaces asparagine 382 with lysine.
Molecular consequence: missense variant.
Genome position (GRCh38, 1-based): chrX:132,078,871, A>T on the plus strand (T>A on the coding strand, the complement: FRMD7 is on the minus strand). VCF-style: chrX-132078871-A-T. GRCh37 (hg19) VCF-style: chrX-131212899-A-T.
Other names: c.1101T>A, p.Asn367Lys (NM_001306193.2); short protein forms N382K, N367K.
Identifiers: ClinVar variation 1492939 (VCV001492939.6), dbSNP rs764235664, ClinGen allele CA10518890.
Genomic context (GRCh38, chrX:132,078,871, plus strand): 5'-GGGATCCGCCTCTGGTTTGGAATGCTCCAGCTCAGTTGCAAATGTCACCTCCAATGCAGA[A>T]TTCCTCCTCCTACTCTCCAGCACTGGCTCAGATGCGTGCACTCCATTCACATTTTGGTAG-3'
Protein context (NP_919253.1, residues 372-392): SEPVLESRRR[Asn382Lys]SALEVTFATE

ClinVar aggregate classification (germline): Uncertain significance (1 of 4 stars; one submission).

Allele frequency attached by ClinVar (database versions not stated): gnomAD exomes below 0.00001 and 0.00001; ExAC 0.00001.
gnomAD v4.1: 2 of 1,206,272 alleles (0.00017%); highest among the groups gnomAD compares: South Asian, 0.0035%; no homozygotes.

Submission:

Labcorp Genetics (formerly Invitae), Labcorp
Classification: Uncertain significance. Last evaluated: 2024-10-26. Review status: criteria provided, single submitter. Criteria: Invitae Variant Classification Sherloc (09022015). Collection method: clinical testing. Allele origin: germline.
Comment: This sequence change replaces asparagine, which is neutral and polar, with lysine, which is basic and polar, at codon 382 of the FRMD7 protein (p.Asn382Lys). This variant is present in population databases (rs764235664, gnomAD 0.005%), including at least one homozygous and/or hemizygous individual. This variant has not been reported in the literature in individuals affected with FRMD7-related conditions. ClinVar contains an entry for this variant (Variation ID: 1492939). An algorithm developed to predict the effect of missense changes on protein structure and function (PolyPhen-2) suggests that this variant is likely to be tolerated. In summary, the available evidence is currently insufficient to determine the role of this variant in disease. Therefore, it has been classified as a Variant of Uncertain Significance.